The following is an entry in ClinVar:

ClinVar aggregate classification (germline): Uncertain significance (1 of 4 stars; one submission).

Submission:

Labcorp Genetics (formerly Invitae), Labcorp
Classification: Uncertain significance. Last evaluated: 2022-08-31. Review status: criteria provided, single submitter. Criteria: Invitae Variant Classification Sherloc (09022015). Collection method: clinical testing. Allele origin: germline.
Comment: ClinVar contains an entry for this variant (Variation ID: 1510742). In summary, the available evidence is currently insufficient to determine the role of this variant in disease. Therefore, it has been classified as a Variant of Uncertain Significance. Algorithms developed to predict the effect of missense changes on protein structure and function output the following: SIFT: "Tolerated"; PolyPhen-2: "Benign"; Align-GVGD: "Class C0". The isoleucine amino acid residue is found in multiple mammalian species, which suggests that this missense change does not adversely affect protein function. This variant has not been reported in the literature in individuals affected with SZT2-related conditions. This variant is not present in population databases (gnomAD no frequency). This sequence change replaces valine, which is neutral and non-polar, with isoleucine, which is neutral and non-polar, at codon 2622 of the SZT2 protein (p.Val2622Ile).

NM_001365999.1(SZT2):c.8035G>A (p.Val2679Ile)

Gene: SZT2 (SZT2 subunit of KICSTOR complex; plus strand). Cytogenetic location: 1p34.2.
Variant type: single nucleotide variant.
Coding change: c.8035G>A on transcript NM_001365999.1 (MANE Select); coding-DNA position 8035, G replaced by A.
Protein change: p.Val2679Ile; replaces valine 2679 with isoleucine.
Molecular consequence: missense variant.
Genome position (GRCh38, 1-based): chr1:43,442,502, G>A. VCF-style: chr1-43442502-G-A. GRCh37 (hg19) VCF-style: chr1-43908173-G-A.
Other names: c.7864G>A, p.Val2622Ile (NM_015284.4); short protein forms V2622I, V2679I.
Identifiers: ClinVar variation 1510742 (VCV001510742.8), dbSNP rs2153935942, ClinGen allele CA340037374.